The following is an entry in ClinVar:

NM_001113378.2(FANCI):c.1162A>G (p.Ile388Val)

Gene: FANCI (FA complementation group I; plus strand). Cytogenetic location: 15q26.1.
Variant type: single nucleotide variant.
Coding change: c.1162A>G on transcript NM_001113378.2 (MANE Select); coding-DNA position 1162, A replaced by G.
Protein change: p.Ile388Val; replaces isoleucine 388 with valine.
Molecular consequence: missense variant.
Genome position (GRCh38, 1-based): chr15:89,276,760, A>G. VCF-style: chr15-89276760-A-G. GRCh37 (hg19) VCF-style: chr15-89819991-A-G.
Other names: c.883A>G, p.Ile295Val (NM_001376910.1); c.1162A>G, p.Ile388Val (NM_001376911.1, NM_018193.3); short protein forms I295V, I388V.
Identifiers: ClinVar variation 2190818 (VCV002190818.4), dbSNP rs2053426627, ClinGen allele CA393742075.

ClinVar aggregate classification (germline): Uncertain significance (1 of 4 stars; one submission).

Conditions:
Fanconi anemia (FA). Also called: Fanconi's anemia. Identifiers: Orphanet 84, MedGen C0015625, MeSH D005199, MONDO:0019391.

Allele frequency attached by ClinVar (database versions not stated): gnomAD exomes below 0.00001; gnomAD 0.00001; TOPMed 0.00001.
gnomAD v4.1: 3 of 1,614,030 alleles (0.00019%); highest among the groups gnomAD compares: Non-Finnish European, 0.00025%; no homozygotes.

Submission:

Labcorp Genetics (formerly Invitae), Labcorp
Classification: Uncertain significance for Fanconi anemia. Last evaluated: 2022-08-21. Review status: criteria provided, single submitter. Criteria: Invitae Variant Classification Sherloc (09022015). Collection method: clinical testing. Allele origin: germline.
Comment: This variant has not been reported in the literature in individuals affected with FANCI-related conditions. This variant is not present in population databases (gnomAD no frequency). This sequence change replaces isoleucine, which is neutral and non-polar, with valine, which is neutral and non-polar, at codon 388 of the FANCI protein (p.Ile388Val). Algorithms developed to predict the effect of missense changes on protein structure and function (SIFT, PolyPhen-2, Align-GVGD) all suggest that this variant is likely to be tolerated. In summary, the available evidence is currently insufficient to determine the role of this variant in disease. Therefore, it has been classified as a Variant of Uncertain Significance.